The following is an entry in ClinVar:

NM_032790.4(ORAI1):c.113_121delAGCCCCCGG (p.Glu38_Pro40del)

Genes: ORAI1 (ORAI calcium release-activated calcium modulator 1; plus strand), LOC130008987 (ATAC-STARR-seq lymphoblastoid silent region 4981; plus strand). Cytogenetic location: 12q24.31.
Variant type: Deletion.
Coding change: c.113_121delAGCCCCCGG on transcript NM_032790.4 (MANE Select); coding-DNA positions 113 to 121, 9 bases deleted (AGCCCCCGG).
Protein change: p.Glu38_Pro40del.
Molecular consequence: inframe deletion (on NM_032790.3).
Genome position (GRCh38, 1-based): chr12:121,626,855-121,626,863, AGCCCCCGG deleted; deleting any 9 consecutive bases within chr12:121,626,853-121,626,863 gives the same sequence; the c. name uses the placement nearest the transcript's 3' end. VCF-style (leftmost placement, unchanged base first): chr12-121626852-GGGAGCCCCC-G. GRCh37 (hg19) VCF-style: chr12-122064757-GGGAGCCCCC-G.
Other names: c.113_121delAGCCCCCGG (NM_032790.3).
Identifiers: ClinVar variation 650573 (VCV000650573.10), dbSNP rs781971569, ClinGen allele CA6837411.

ClinVar aggregate classification (germline): Conflicting classifications of pathogenicity. Review status: criteria provided, conflicting classifications (1 of 4 stars). 2 submissions from 2 submitters: Uncertain significance (1); Likely benign (1). Last evaluated 2025-11-04.

Conditions:
Myopathy, tubular aggregate, 2 (TAM2). Identifiers: MedGen C4014557, MONDO:0014383, OMIM 615883.
Combined immunodeficiency due to ORAI1 deficiency. Also called: IMMUNODEFICIENCY 9. Identifiers: Orphanet 169090, Orphanet 317428, MedGen C2748568, MONDO:0013007, OMIM 612782.

Submissions (2):

Labcorp Genetics (formerly Invitae), Labcorp
Classification: Uncertain significance for Myopathy, tubular aggregate, 2; Combined immunodeficiency due to ORAI1 deficiency. Last evaluated: 2025-11-04. Review status: criteria provided, single submitter. Criteria: Invitae Variant Classification Sherloc (09022015). Collection method: clinical testing. Allele origin: germline.
Comment: This variant, c.113_121del, results in the deletion of 3 amino acid(s) of the ORAI1 protein (p.Glu38_Pro40del), but otherwise preserves the integrity of the reading frame. This variant is present in population databases (rs781971569, gnomAD 0.08%). This variant has not been reported in the literature in individuals affected with ORAI1-related conditions. ClinVar contains an entry for this variant (Variation ID: 650573). Experimental studies and prediction algorithms are not available or were not evaluated, and the functional significance of this variant is currently unknown. In summary, the available evidence is currently insufficient to determine the role of this variant in disease. Therefore, it has been classified as a Variant of Uncertain Significance.

3billion
Classification: Likely benign for Combined immunodeficiency due to ORAI1 deficiency. Last evaluated: 2024-09-20. Review status: criteria provided, single submitter. Criteria: ACMG Guidelines, 2015. Collection method: clinical testing. Allele origin: germline. Affected: no.
Comment: The homozygous variant was found in patients diagnosed with another variant in a different gene, with no symptoms related to the gene containing the homozygous variant.